The following is an entry in ClinVar:

ClinVar aggregate classification (germline): Uncertain significance (1 of 4 stars; one submission).

Conditions:
Inborn genetic diseases. Identifiers: MedGen C0950123, MeSH D030342.

Submission:

Ambry Genetics
Classification: Uncertain significance for Inborn genetic diseases. Last evaluated: 2024-02-13. Review status: criteria provided, single submitter. Criteria: Ambry Variant Classification Scheme 2023. Collection method: clinical testing. Allele origin: germline.
Comment: The p.T637S variant (also known as c.1909A>T), located in coding exon 12 of the EPAS1 gene, results from an A to T substitution at nucleotide position 1909. The threonine at codon 637 is replaced by serine, an amino acid with similar properties. This amino acid position is conserved. In addition, this alteration is predicted to be tolerated by in silico analysis. Based on the available evidence, the clinical significance of this alteration remains unclear.

NM_001430.5(EPAS1):c.1909A>T (p.Thr637Ser)

Gene: EPAS1 (endothelial PAS domain protein 1; plus strand). Cytogenetic location: 2p21.
Variant type: single nucleotide variant.
Coding change: c.1909A>T on transcript NM_001430.5 (MANE Select); coding-DNA position 1909, A replaced by T.
Protein change: p.Thr637Ser; replaces threonine 637 with serine.
Molecular consequence: missense variant.
Genome position (GRCh38, 1-based): chr2:46,380,581, A>T. VCF-style: chr2-46380581-A-T. GRCh37 (hg19) VCF-style: chr2-46607720-A-T.
Other names: short protein forms T637S.
Identifiers: ClinVar variation 3221584 (VCV003221584.1), dbSNP rs2103673421, ClinGen allele CA346705128.